The following is an entry in ClinVar:

NM_144573.4(NEXN):c.1976A>G (p.Asn659Ser)

Gene: NEXN (nexilin F-actin binding protein; plus strand). Cytogenetic location: 1p31.1.
Variant type: single nucleotide variant.
Coding change: c.1976A>G on transcript NM_144573.4 (MANE Select); coding-DNA position 1976, A replaced by G.
Protein change: p.Asn659Ser; replaces asparagine 659 with serine.
Molecular consequence: missense variant.
Genome position (GRCh38, 1-based): chr1:77,942,777, A>G. VCF-style: chr1-77942777-A-G. GRCh37 (hg19) VCF-style: chr1-78408462-A-G.
Other names: c.1784A>G, p.Asn595Ser (NM_001172309.2); short protein forms N595S, N659S.
Identifiers: ClinVar variation 1783706 (VCV001783706.2), dbSNP rs370310107, ClinGen allele CA24692031.

ClinVar aggregate classification (germline): Uncertain significance (1 of 4 stars; one submission).

Conditions:
Cardiovascular phenotype. Identifiers: MedGen CN230736.

Allele frequency attached by ClinVar (database versions not stated): gnomAD exomes below 0.00001; gnomAD 0.00001; TOPMed 0.00001; ESP Exome Variant Server 0.00008.
gnomAD v4.1: 2 of 1,613,110 alleles (0.00012%); highest among the groups gnomAD compares: African/African-American, 0.0027%; no homozygotes.

Submission:

Ambry Genetics
Classification: Uncertain significance for Cardiovascular phenotype. Last evaluated: 2022-09-13. Review status: criteria provided, single submitter. Criteria: Ambry Variant Classification Scheme 2023. Collection method: clinical testing. Allele origin: germline.
Comment: The p.N659S variant (also known as c.1976A>G), located in coding exon 12 of the NEXN gene, results from an A to G substitution at nucleotide position 1976. The asparagine at codon 659 is replaced by serine, an amino acid with highly similar properties. This amino acid position is conserved. In addition, this alteration is predicted to be tolerated by in silico analysis. Since supporting evidence is limited at this time, the clinical significance of this alteration remains unclear.